The following is an entry in ClinVar:

NM_001008537.3(NEXMIF):c.3566_3570delinsCACTCTTCTCAGAAAAACACCAGGTGTTT (p.Gln1189_Ser1190delinsProLeuPheSerGluLysHisGlnValPhe)

Gene: NEXMIF (neurite extension and migration factor; minus strand). Cytogenetic location: Xq13.3.
Variant type: Indel.
Coding change: c.3566_3570delinsCACTCTTCTCAGAAAAACACCAGGTGTTT on transcript NM_001008537.3 (MANE Select); coding-DNA positions 3566 to 3570, AAAGC replaced by CACTCTTCTCAGAAAAACACCAGGTGTTT.
Protein change: p.Gln1189_Ser1190delinsProLeuPheSerGluLysHisGlnValPhe.
Molecular consequence: inframe indel.
Genome position (GRCh38, 1-based): chrX:74,740,987-74,740,991, GCTTT replaced by AAACACCTGGTGTTTTTCTGAGAAGAGTG on the plus strand (AAAGC replaced by CACTCTTCTCAGAAAAACACCAGGTGTTT on the coding strand, the reverse complement: NEXMIF is on the minus strand). GRCh37 (hg19): chrX:73,960,822-73,960,826.
Identifiers: ClinVar variation 3371073 (VCV003371073.1).

ClinVar aggregate classification (germline): Uncertain significance (1 of 4 stars; one submission).

Submission:

GeneDx
Classification: Uncertain significance. Last evaluated: 2024-03-18. Review status: criteria provided, single submitter. Criteria: GeneDx Variant Classification Process June 2021. Collection method: clinical testing. Allele origin: germline. Affected: yes.
Comment: Not observed at significant frequency in large population cohorts (gnomAD); In-frame deletion of 2 amino acids and insertion of 10 amino acids in a non-repeat region; In silico analysis supports that this variant does not alter protein structure/function; Has not been previously published as pathogenic or benign to our knowledge